The following is an entry in ClinVar:

ClinVar aggregate classification (germline): Benign/Likely benign. Review status: criteria provided, multiple submitters, no conflicts (2 of 4 stars). 12 submissions from 12 submitters: Benign (6); Likely benign (5). 1 of the submissions does not count toward it. Last evaluated 2026-02-04.

Conditions:
Autoinflammatory syndrome. Identifiers: Orphanet 93665, MedGen C3890737, MONDO:0019751.
Familial hemophagocytic lymphohistiocytosis 3 (FHL3). Also called: UNC13D-Related Familial Hemophagocytic Lymphohistiocytosis (UNC13D-fHLH). Identifiers: Orphanet 540, MedGen C1837174, MONDO:0012146, OMIM 608898.

Allele frequency attached by ClinVar (database versions not stated): gnomAD exomes 0.00194; ExAC 0.00254; TOPMed 0.00831; ESP Exome Variant Server 0.00907; 1000 Genomes Project 0.00938; 1000 Genomes Project 30x 0.00999.
gnomAD v4.1: 2,314 of 1,613,934 alleles (0.14%); highest among the groups gnomAD compares: African/African-American, 2.6%; 36 homozygotes.

Submissions (12):

Labcorp Genetics (formerly Invitae), Labcorp
Classification: Benign for Familial hemophagocytic lymphohistiocytosis 3. Last evaluated: 2026-02-04. Review status: criteria provided, single submitter. Criteria: Invitae Variant Classification Sherloc (09022015). Collection method: clinical testing. Allele origin: germline.

Blueprint Genetics
Classification: Likely benign. Last evaluated: 2024-10-22. Review status: criteria provided, single submitter. Criteria: ACMG Guidelines, 2015. Collection method: clinical testing. Allele origin: germline.

CeGaT Center for Human Genetics Tuebingen
Classification: Benign. Last evaluated: 2024-02-01. Review status: criteria provided, single submitter. Criteria: CeGaT Center For Human Genetics Tuebingen Variant Classification Criteria Version 2. Collection method: clinical testing. Allele origin: germline. Affected: yes. Observed: 1 variant allele.
Comment: UNC13D: BS1, BS2

Mayo Clinic Laboratories, Mayo Clinic
Classification: Benign. Last evaluated: 2023-09-25. Review status: criteria provided, single submitter. Criteria: ACMG Guidelines, 2015. Collection method: clinical testing. Allele origin: germline. Observed: 7 variant alleles.
Comment: BS1, BS2, BP4

Women's Health and Genetics/Laboratory Corporation of America, LabCorp
Classification: Benign. Last evaluated: 2022-03-06. Review status: criteria provided, single submitter. Criteria: LabCorp Variant Classification Summary - May 2015. Collection method: clinical testing. Allele origin: germline.
Comment: Variant summary: UNC13D c.847A>G (p.Ile283Val) results in a conservative amino acid change in the encoded protein sequence. Four of five in-silico tools predict a benign effect of the variant on protein function. The variant allele was found at a frequency of 0.0019 in 250474 control chromosomes, predominantly at a frequency of 0.025 within the African or African-American subpopulation in the gnomAD database, including 7 homozygotes. The observed variant frequency within African or African-American control individuals in the gnomAD database is approximately 9.13 fold of the estimated maximal expected allele frequency for a pathogenic variant in UNC13D causing Familial Hemophagocytic Lymphohistiocytosis phenotype (0.0027), strongly suggesting that the variant is a benign polymorphism found primarily in populations of African or African-American origin. Three clinical diagnostic laboratories have submitted clinical-significance assessments for this variant to ClinVar after 2014 without evidence for independent evaluation. All laboratories classified the variant as benign/likely benign. Based on the evidence outlined above, the variant was classified as benign.

Fulgent Genetics
Classification: Likely benign for Familial hemophagocytic lymphohistiocytosis 3. Last evaluated: 2021-11-04. Review status: criteria provided, single submitter. Criteria: ACMG Guidelines, 2015. Collection method: clinical testing. Allele origin: unknown.

Mendelics
Classification: Likely benign. Last evaluated: 2019-05-28. Review status: criteria provided, single submitter. Criteria: Mendelics Assertion Criteria 2017. Collection method: clinical testing. Allele origin: unknown.

Genome Diagnostics Laboratory, The Hospital for Sick Children
Classification: Likely benign for Autoinflammatory syndrome. Last evaluated: 2018-03-01. Review status: criteria provided, single submitter. Criteria: ACMG Guidelines, 2015. Collection method: clinical testing. Allele origin: germline. Affected: yes.

Illumina Laboratory Services, Illumina
Classification: Benign for Familial hemophagocytic lymphohistiocytosis 3. Last evaluated: 2017-04-27. Review status: criteria provided, single submitter. Criteria: ICSL Variant Classification Criteria 13 December 2019. Collection method: clinical testing. Allele origin: germline.
Comment: This variant was observed as part of a predisposition screen in an ostensibly healthy population. A literature search was performed for the gene, cDNA change, and amino acid change (where applicable). No publications were found based on this search. Allele frequency data from public databases was too high to be consistent with this variant causing disease. Therefore, this variant is classified as benign.

Breakthrough Genomics
Classification: Likely benign. Review status: criteria provided, single submitter. Criteria: ACMG Guidelines, 2015. Collection method: not provided. Allele origin: germline. Inheritance: Autosomal recessive inheritance. Affected: yes.

PreventionGenetics, part of Exact Sciences
Classification: Benign. Review status: criteria provided, single submitter. Criteria: ACMG Guidelines, 2015. Collection method: clinical testing. Allele origin: germline.

Genetic Services Laboratory, University of Chicago
Classification: Likely benign. Last evaluated: 2022-11-28. Review status: no assertion criteria provided. Collection method: clinical testing. Allele origin: germline. Affected: no. Not counted in ClinVar's aggregate classification.

Literature cited by the submitters: PubMed 23264592 (cited by Mayo Clinic Laboratories, Mayo Clinic).

NM_199242.3(UNC13D):c.847A>G (p.Ile283Val)

Gene: UNC13D (unc-13 homolog D; minus strand). Cytogenetic location: 17q25.1.
Variant type: single nucleotide variant.
Coding change: c.847A>G on transcript NM_199242.3 (MANE Select); coding-DNA position 847, A replaced by G.
Protein change: p.Ile283Val; replaces isoleucine 283 with valine.
Molecular consequence: missense variant.
Genome position (GRCh38, 1-based): chr17:75,840,236, T>C on the plus strand (A>G on the coding strand, the complement: UNC13D is on the minus strand). VCF-style: chr17-75840236-T-C. GRCh37 (hg19) VCF-style: chr17-73836317-T-C.
Other names: p.Ile283Val; short protein forms I283V.
Identifiers: ClinVar variation 263246 (VCV000263246.48), dbSNP rs61754871, ClinGen allele CA8773261.